The following is an entry in ClinVar:

ClinVar aggregate classification (germline): Pathogenic. Review status: reviewed by expert panel (3 of 4 stars). 2 submissions from 2 submitters: Pathogenic (1). 1 of the submissions does not count toward it. Last evaluated 2017-12-15.

Conditions:
Breast-ovarian cancer, familial, susceptibility to, 1 (BROVCA1). Also called: BRCA1 Hereditary Breast and Ovarian Cancer; OVARIAN CANCER, SUSCEPTIBILITY TO. Identifiers: Orphanet 145, MedGen C2676676, MONDO:0011450, OMIM 604370. Disease mechanism: loss of function.
Familial cancer of breast. Also called: hereditary breast carcinoma; BREAST CANCER, FAMILIAL; Hereditary breast cancer. Identifiers: Orphanet 227535, MedGen C0346153, MONDO:0016419, OMIM 114480. Disease mechanism: loss of function.

Submissions (2):

Evidence-based Network for the Interpretation of Germline Mutant Alleles (ENIGMA)
Classification: Pathogenic for Breast-ovarian cancer, familial, susceptibility to, 1. Last evaluated: 2017-12-15. Review status: reviewed by expert panel. Criteria: ENIGMA BRCA1/2 Classification Criteria (2017-06-29). Collection method: curation. Allele origin: germline. Study: ENIGMA.
Comment: Variant allele predicted to encode a truncated non-functional protein.

ClinVar Staff, National Center for Biotechnology Information (NCBI)
No classification provided. Condition: Familial cancer of breast. Review status: no classification provided. Collection method: literature only. Allele origin: germline. Affected: yes. Not counted in ClinVar's aggregate classification.

Literature cited by the submitters: PubMed 12442275 (cited by ClinVar Staff, National Center for Biotechnology Information (NCBI)).

NM_007294.4(BRCA1):c.3468del (p.Asp1156fs)

Genes: BRCA1 (BRCA1 DNA repair associated; minus strand), LOC126862571 (BRD4-independent group 4 enhancer GRCh37_chr17:41243136-41244335; plus strand). Cytogenetic location: 17q21.31.
Variant type: Deletion.
Coding change: c.3468del on transcript NM_007294.4 (MANE Select); coding-DNA position 3468, one base deleted (T; older notation c.3468delT).
Protein change: p.Asp1156fs; shifts the reading frame from aspartic acid 1156.
Molecular consequence: frameshift variant. On other transcripts: intron variant (135).
Genome position (GRCh38, 1-based): chr17:43,092,063, A deleted on the plus strand (T on the coding strand, the reverse complement: BRCA1 is on the minus strand). VCF-style (leftmost placement, unchanged base first): chr17-43092062-CA-C. GRCh37 (hg19) VCF-style: chr17-41244079-CA-C.
Other names: c.3345del, p.Asp1115fs (NM_001407648.1, NM_001407664.1, NM_001407665.1 and 19 more transcripts); c.3342del, p.Asp1114fs (NM_001407649.1, NM_001407670.1, NM_001407671.1 and 11 more transcripts); c.3468del, p.Asp1156fs (NM_001407652.1, NM_001407684.1, NM_001407854.1 and 30 more transcripts); c.3390del, p.Asp1130fs (NM_001407653.1, NM_001407654.1, NM_001407655.1 and 4 more transcripts); c.3387del, p.Asp1129fs (NM_001407659.1, NM_001407660.1, NM_001407661.1 and 1 more transcripts); c.3327del, p.Asp1109fs (NM_001407692.1, NM_001407694.1, NM_001407695.1 and 29 more transcripts); c.3324del, p.Asp1108fs (NM_001407740.1, NM_001407741.1, NM_001407742.1 and 20 more transcripts); c.3255del, p.Asp1085fs (NM_001407853.1, NM_001407894.1, NM_001407895.1 and 9 more transcripts); and 41 more; short protein forms D1156fs, D1109fs, D1029fs, D1085fs, D1108fs, D1130fs, D1155fs, D288fs.
Identifiers: ClinVar variation 54892 (VCV000054892.3), dbSNP rs397509070, ClinGen allele CA002235.
Genomic context (GRCh38, chr17:43,092,062, plus strand): 5'-AAACAGCAGAACTTTCCTTAATGTCATTTTCAGCAAAACTAGTATCTTCCTTTATTTCAC[CA>C]TCATCTAACAGGTCATCAGGTGTCTCAGAACAAACCTGAGATGCATGACTACTTCCCATA-3'